The following is an entry in ClinVar:

ClinVar aggregate classification (germline): Conflicting classifications of pathogenicity. Review status: criteria provided, conflicting classifications (1 of 4 stars). 7 submissions from 7 submitters: Uncertain significance (4); Likely benign (3). Last evaluated 2026-06-01.

Conditions:
Norman-Roberts syndrome (LIS2). Also called: Lissencephaly 2 (Norman-Roberts type). Identifiers: Orphanet 89844, MedGen C0796089, MONDO:0009760, OMIM 257320.
Familial temporal lobe epilepsy 7. Identifiers: Orphanet 101046, MedGen C4225327, MONDO:0014639, OMIM 616436.
Epilepsy, familial temporal lobe, 1. Identifiers: Orphanet 101046, MedGen CN030884, MONDO:0700090, OMIM 600512.
RELN-related disorder. Also called: RELN-related condition.
Inborn genetic diseases. Identifiers: MedGen C0950123, MeSH D030342.

Allele frequency attached by ClinVar (database versions not stated): ESP Exome Variant Server 0.00015; ExAC 0.00027; gnomAD exomes 0.00030 and 0.00037; gnomAD 0.00031.
gnomAD v4.1: 512 of 1,420,866 alleles (0.036%); highest among the groups gnomAD compares: Admixed American, 0.091%; 2 homozygotes.

Submissions (7):

CeGaT Center for Human Genetics Tuebingen
Classification: Likely benign. Last evaluated: 2026-06-01. Review status: criteria provided, single submitter. Criteria: CeGaT Center For Human Genetics Tuebingen Variant Classification Criteria Version 2. Collection method: clinical testing. Allele origin: germline. Affected: yes. Observed: 2 variant alleles.
Comment: RELN: BS2

Labcorp Genetics (formerly Invitae), Labcorp
Classification: Likely benign for Familial temporal lobe epilepsy 7; Norman-Roberts syndrome. Last evaluated: 2026-01-28. Review status: criteria provided, single submitter. Criteria: Invitae Variant Classification Sherloc (09022015). Collection method: clinical testing. Allele origin: germline.

PreventionGenetics, part of Exact Sciences
Classification: Likely benign for RELN-related condition. Last evaluated: 2025-01-19. Review status: criteria provided, single submitter. Criteria: ACMG Guidelines, 2015. Collection method: clinical testing. Allele origin: germline.
Comment: This variant is classified as likely benign based on ACMG/AMP sequence variant interpretation guidelines (Richards et al. 2015 PMID: 25741868, with internal and published modifications).

Blueprint Genetics
Classification: Uncertain significance. Last evaluated: 2024-11-26. Review status: criteria provided, single submitter. Criteria: ACMG Guidelines, 2015. Collection method: clinical testing. Allele origin: germline.

Ambry Genetics
Classification: Uncertain significance for Inborn genetic diseases. Last evaluated: 2021-09-05. Review status: criteria provided, single submitter. Criteria: Ambry Variant Classification Scheme 2023. Collection method: clinical testing. Allele origin: germline.
Comment: Unlikely to be causative of RELN-related lateral temporal epilepsy (AD) based on population frequency in gnomAD. However, the clinical significance for RELN-related lissencephaly (AR) remains unclear (Bonora, 2003; Lammert, 2017). Based on insufficient or conflicting evidence, the clinical significance of this alteration remains unclear.

Fulgent Genetics
Classification: Uncertain significance for Norman-Roberts syndrome; Epilepsy, familial temporal lobe, 1; Familial temporal lobe epilepsy 7. Last evaluated: 2018-10-31. Review status: criteria provided, single submitter. Criteria: ACMG Guidelines, 2015. Collection method: clinical testing. Allele origin: unknown.

Illumina Laboratory Services, Illumina
Classification: Uncertain significance for Norman-Roberts syndrome. Last evaluated: 2017-04-28. Review status: criteria provided, single submitter. Criteria: ICSL Variant Classification Criteria 13 December 2019. Collection method: clinical testing. Allele origin: germline.
Comment: This variant was observed as part of a predisposition screen in an ostensibly healthy population. A literature search was performed for the gene, cDNA change, and amino acid change (where applicable). Publications were found based on this search. However, the evidence from the literature, in combination with allele frequency data from public databases where available, was not sufficient to rule this variant in or out of causing disease. Therefore, this variant is classified as a variant of unknown significance.

Literature cited by the submitters: PubMed 14515139 (cited by Ambry Genetics and Illumina Laboratory Services, Illumina); PubMed 28419454 (cited by Ambry Genetics).

NM_005045.4(RELN):c.5225G>A (p.Arg1742Gln)

Gene: RELN (reelin; minus strand). Cytogenetic location: 7q22.1.
Variant type: single nucleotide variant.
Coding change: c.5225G>A on transcript NM_005045.4 (MANE Select); coding-DNA position 5225, G replaced by A.
Protein change: p.Arg1742Gln; replaces arginine 1742 with glutamine.
Molecular consequence: missense variant.
Genome position (GRCh38, 1-based): chr7:103,561,939, C>T on the plus strand (G>A on the coding strand, the complement: RELN is on the minus strand). VCF-style: chr7-103561939-C-T. GRCh37 (hg19) VCF-style: chr7-103202386-C-T.
Other names: c.5225G>A, p.Arg1742Gln (NM_173054.3); short protein forms R1742Q.
Identifiers: ClinVar variation 475970 (VCV000475970.39), dbSNP rs199553777, ClinGen allele CA4421269.
Genomic context (GRCh38, chr7:103,561,939, plus strand): 5'-ACATTATCAATCGCCCAGGAATCAGCCCCCACAGTGTAGTTGGCCTGAATCCATCTGAAC[C>T]GGGTCCTGGGAGAACTAACCAAAAAAAAAAAAAAAAAAACACACCACTGGTTTGACAAGC-3'
Protein context (NP_005036.2, residues 1732-1752): LPLSTISPRT[Arg1742Gln]FRWIQANYTV